The following is an entry in ClinVar:

ClinVar aggregate classification (germline): Uncertain significance. Review status: criteria provided, multiple submitters, no conflicts (2 of 4 stars). 4 submissions from 4 submitters: Uncertain significance (3). 1 of the submissions does not count toward it. Last evaluated 2024-12-23.

Conditions:
Inborn genetic diseases. Identifiers: MedGen C0950123, MeSH D030342.
Primary hyperoxaluria type 3. Also called: PH III. Identifiers: Orphanet 416, Orphanet 93600, MedGen C3150878, MONDO:0013327, OMIM 613616. Disease mechanism: loss of function.

Allele frequency attached by ClinVar (database versions not stated): gnomAD 0.00001; TOPMed 0.00001; ExAC 0.00002; gnomAD exomes 0.00002.

Submissions (4):

Ambry Genetics
Classification: Uncertain significance for Inborn genetic diseases. Last evaluated: 2024-12-23. Review status: criteria provided, single submitter. Criteria: Ambry Variant Classification Scheme 2023. Collection method: clinical testing. Allele origin: germline.

Fulgent Genetics
Classification: Uncertain significance for Primary hyperoxaluria type 3. Last evaluated: 2022-02-16. Review status: criteria provided, single submitter. Criteria: ACMG Guidelines, 2015. Collection method: clinical testing. Allele origin: unknown.

Labcorp Genetics (formerly Invitae), Labcorp
Classification: Uncertain significance. Last evaluated: 2021-09-01. Review status: criteria provided, single submitter. Criteria: Invitae Variant Classification Sherloc (09022015). Collection method: clinical testing. Allele origin: germline.
Comment: This sequence change replaces valine with alanine at codon 136 of the HOGA1 protein (p.Val136Ala). The valine residue is highly conserved and there is a small physicochemical difference between valine and alanine. This variant is present in population databases (rs776292240, ExAC 0.003%). This variant has not been reported in the literature in individuals affected with HOGA1-related conditions. Algorithms developed to predict the effect of missense changes on protein structure and function are either unavailable or do not agree on the potential impact of this missense change (SIFT: "Deleterious"; PolyPhen-2: "Benign"; Align-GVGD: "Class C55"). In summary, the available evidence is currently insufficient to determine the role of this variant in disease. Therefore, it has been classified as a Variant of Uncertain Significance.

Natera, Inc.
Classification: Uncertain significance for Primary hyperoxaluria type III. Last evaluated: 2020-10-28. Review status: no assertion criteria provided. Collection method: clinical testing. Allele origin: germline. Not counted in ClinVar's aggregate classification.

NM_138413.4(HOGA1):c.407T>C (p.Val136Ala)

Gene: HOGA1 (4-hydroxy-2-oxoglutarate aldolase 1; plus strand). Cytogenetic location: 10q24.2.
Variant type: single nucleotide variant.
Coding change: c.407T>C on transcript NM_138413.4 (MANE Select); coding-DNA position 407, T replaced by C.
Protein change: p.Val136Ala; replaces valine 136 with alanine.
Molecular consequence: missense variant. On other transcripts: intron variant (1).
Genome position (GRCh38, 1-based): chr10:97,599,155, T>C. VCF-style: chr10-97599155-T-C. GRCh37 (hg19) VCF-style: chr10-99358912-T-C.
Other names: c.212-2702T>C (NM_001134670.2); short protein forms V136A.
Identifiers: ClinVar variation 647141 (VCV000647141.9), dbSNP rs776292240, ClinGen allele CA5634093.